The following is an entry in ClinVar:

ClinVar aggregate classification (germline): Pathogenic. Review status: criteria provided, multiple submitters, no conflicts (2 of 4 stars). 2 submissions from 2 submitters: Pathogenic (2). Last evaluated 2024-03-30.

Conditions:
Leber congenital amaurosis (LCA). Also called: Leber's amaurosis. Identifiers: Orphanet 65, MedGen C0339527, MeSH D057130, MONDO:0018998.
Leber congenital amaurosis 8 (LCA8). Identifiers: Orphanet 65, MedGen C3151202, MONDO:0013453, OMIM 613835.
Retinitis pigmentosa 12 (RP12). Also called: RP WITH OR WITHOUT PPRPE; RP WITH OR WITHOUT PRESERVED PARAARTERIOLE RETINAL PIGMENT EPITHELIUM; RETINITIS PIGMENTOSA WITH OR WITHOUT PARAARTERIOLAR PRESERVATION OF RETINAL PIGMENT EPITHELIUM. Identifiers: Orphanet 791, MedGen C1838647, MONDO:0010818, OMIM 600105.

Submissions (2):

Natera, Inc.
Classification: Pathogenic for Leber congenital amaurosis. Last evaluated: 2024-03-30. Review status: criteria provided, single submitter. Criteria: Natera Variant Classification Schema (03/2026). Collection method: clinical testing. Allele origin: germline.
Comment: The c.2129-1G>C variant in CRB1 is a canonical splice acceptor site variant predicted to affect pre-mRNA splicing, which may result in an abnormal transcript and altered protein product. This variant is expected to result in nonsense mediated decay, truncation, or a dysfunctional protein product. This variant is rare in the general population with a frequency below the threshold expected for the associated phenotype(s). This variant has been observed in one or more individuals affected with the associated recessive disease, as either homozygous or compound heterozygous with a second variant (PMID: 27422788, 27670293). Given the available evidence, this variant is classified as Pathogenic.

Labcorp Genetics (formerly Invitae), Labcorp
Classification: Pathogenic for Leber congenital amaurosis 8; Retinitis pigmentosa 12. Last evaluated: 2020-12-11. Review status: criteria provided, single submitter. Criteria: Invitae Variant Classification Sherloc (09022015). Collection method: clinical testing. Allele origin: germline.
Comment: This sequence change affects an acceptor splice site in intron 6 of the CRB1 gene. It is expected to disrupt RNA splicing and likely results in an absent or disrupted protein product. This variant is not present in population databases (ExAC no frequency). For these reasons, this variant has been classified as Pathogenic. Donor and acceptor splice site variants typically lead to a loss of protein function (PMID: 16199547), and loss-of-function variants in CRB1 are known to be pathogenic (PMID: 10508521, 22065545, 23379534, 25412400, 26957898, 28041643, 29391521). This variant has been observed to segregate with retinitis pigmentosa in a family (PMID: 27670293).

Literature cited by the submitters: PubMed 27422788 (cited by Natera, Inc.); PubMed 27670293 (cited by Natera, Inc. and Labcorp Genetics (formerly Invitae), Labcorp); PubMed 16199547 (cited by Labcorp Genetics (formerly Invitae), Labcorp); PubMed 10508521 (cited by Labcorp Genetics (formerly Invitae), Labcorp); PubMed 22065545 (cited by Labcorp Genetics (formerly Invitae), Labcorp); PubMed 23379534 (cited by Labcorp Genetics (formerly Invitae), Labcorp); PubMed 25412400 (cited by Labcorp Genetics (formerly Invitae), Labcorp); PubMed 26957898 (cited by Labcorp Genetics (formerly Invitae), Labcorp); PubMed 28041643 (cited by Labcorp Genetics (formerly Invitae), Labcorp); PubMed 29391521 (cited by Labcorp Genetics (formerly Invitae), Labcorp).

NM_201253.3(CRB1):c.2129-1G>C

Gene: CRB1 (crumbs cell polarity complex component 1; plus strand). Cytogenetic location: 1q31.3.
Variant type: single nucleotide variant.
Coding change: c.2129-1G>C on transcript NM_201253.3 (MANE Select); the canonical splice acceptor site of the intron before coding-DNA position 2129, G replaced by C.
Molecular consequence: splice acceptor variant. On other transcripts: intron variant (1).
Genome position (GRCh38, 1-based): chr1:197,427,453, G>C. VCF-style: chr1-197427453-G-C. GRCh37 (hg19) VCF-style: chr1-197396583-G-C.
Other names: c.1922-1G>C (NM_001257965.2); c.2128+5497G>C (NM_001257966.2); c.1793-1G>C (NM_001193640.2).
Identifiers: ClinVar variation 935257 (VCV000935257.11), dbSNP rs1664642051, ClinGen allele CA344036265.